The following is an entry in ClinVar:

ClinVar aggregate classification (germline): Uncertain significance. Review status: criteria provided, single submitter (1 of 4 stars). 2 submissions from 2 submitters: Uncertain significance (1). 1 of the submissions does not count toward it. Last evaluated 2026-04-14.

Conditions:
Familial intrahepatic cholestasis. Identifiers: Orphanet 284385, MedGen CN296401, MONDO:0017290.
ABCB11-related disorder. Also called: ABCB11-related condition.

gnomAD v4.1: 2 of 1,558,160 alleles (0.00013%); highest among the groups gnomAD compares: East Asian, 0.0024%; no homozygotes.

Submissions (2):

Genomenon, Inc
Classification: Uncertain significance for Familial intrahepatic cholestasis. Last evaluated: 2026-04-14. Review status: criteria provided, single submitter. Criteria: Genomenon Sequence Variant Interpretation Standards - Updated. Collection method: curation. Allele origin: germline. Affected: yes.
Comment: ABCB11 p.Tyr721Cys (c.2162A>G) is a missense variant that changes the amino acid at residue 721 from Tyrosine to Cysteine. This variant has been observed in at least one proband with an ABCB11-related disorder (PMID:28733223). It is absent or not present at a significant frequency in gnomAD. In silico models predict that this variant is not damaging. In conclusion, we classify ABCB11 p.Tyr721Cys (c.2162A>G) as a variant of uncertain significance.

PreventionGenetics, part of Exact Sciences
Classification: Uncertain significance for ABCB11-related condition. Last evaluated: 2024-05-16. Review status: no assertion criteria provided. Collection method: clinical testing. Allele origin: germline. Not counted in ClinVar's aggregate classification.
Comment: The ABCB11 c.2162A>G variant is predicted to result in the amino acid substitution p.Tyr721Cys. This variant was reported in an individual with intrahepatic cholestasis (Supp. Table S2 in Dröge et al 2017. PubMed ID: 28733223). This variant is reported in 0.0014% of alleles in individuals of European (non-Finnish) descent in gnomAD. At this time, the clinical significance of this variant is uncertain due to the absence of conclusive functional and genetic evidence.

Literature cited by the submitters: PubMed 28733223 (cited by Genomenon, Inc).

NM_003742.4(ABCB11):c.2162A>G (p.Tyr721Cys)

Gene: ABCB11 (ATP binding cassette subfamily B member 11; minus strand). Cytogenetic location: 2q31.1.
Variant type: single nucleotide variant.
Coding change: c.2162A>G on transcript NM_003742.4 (MANE Select); coding-DNA position 2162, A replaced by G.
Protein change: p.Tyr721Cys; replaces tyrosine 721 with cysteine.
Molecular consequence: missense variant.
Genome position (GRCh38, 1-based): chr2:168,964,222, T>C on the plus strand (A>G on the coding strand, the complement: ABCB11 is on the minus strand). VCF-style: chr2-168964222-T-C. GRCh37 (hg19) VCF-style: chr2-169820732-T-C.
Other names: short protein forms Y721C.
Identifiers: ClinVar variation 3350545 (VCV003350545.2).